The following is an entry in ClinVar:

ClinVar aggregate classification (germline): Uncertain significance (1 of 4 stars; one submission).

Conditions:
Myofibrillar myopathy 4. Also called: Zaspopathy (type). Identifiers: Orphanet 98912, MedGen C4721886, MONDO:0012277, OMIM 609452.

gnomAD v4.1: 16 of 1,613,188 alleles (0.00099%); highest among the groups gnomAD compares: Non-Finnish European, 0.0013%; no homozygotes.

Submission:

Labcorp Genetics (formerly Invitae), Labcorp
Classification: Uncertain significance for Myofibrillar myopathy 4. Last evaluated: 2025-09-08. Review status: criteria provided, single submitter. Criteria: Invitae Variant Classification Sherloc (09022015). Collection method: clinical testing. Allele origin: germline.
Comment: The LDB3 gene has multiple clinically relevant transcripts. This variant occurs in alternate transcript NM_007078.3, and corresponds to NM_001080116.1:c.*10625A>G in the primary transcript. This sequence change replaces lysine, which is basic and polar, with glutamic acid, which is acidic and polar, at codon 394 of the LDB3 protein (p.Lys394Glu). This variant is present in population databases (no rsID available, gnomAD 0.0009%). This variant has not been reported in the literature in individuals affected with LDB3-related conditions. In summary, the available evidence is currently insufficient to determine the role of this variant in disease. Therefore, it has been classified as a Variant of Uncertain Significance.

NM_007078.3(LDB3):c.1180A>G (p.Lys394Glu)

Gene: LDB3 (LIM domain binding 3; plus strand). Cytogenetic location: 10q23.2.
Variant type: single nucleotide variant.
Coding change: c.1180A>G on transcript NM_007078.3 (MANE Select); coding-DNA position 1180, A replaced by G.
Protein change: p.Lys394Glu; replaces lysine 394 with glutamic acid.
Molecular consequence: missense variant.
Genome position (GRCh38, 1-based): chr10:86,709,999, A>G. VCF-style: chr10-86709999-A-G. GRCh37 (hg19) VCF-style: chr10-88469756-A-G.
Other names: c.850A>G, p.Lys284Glu (NM_001080114.2); c.1195A>G, p.Lys399Glu (NM_001171610.2); c.991A>G, p.Lys331Glu (NM_001368064.1, NM_001368065.1); c.1039A>G, p.Lys347Glu (NM_001368066.1); short protein forms K284E, K331E, K347E, K394E, K399E.
Identifiers: ClinVar variation 4805308 (VCV004805308.1).
Genomic context (GRCh38, chr10:86,709,999, plus strand): 5'-GCCTCTTCAGCACCTGCCACCCACACCAGCTACAGTGAGGGCCCCGCCGCCCCTGCACCC[A>G]AGCCCCGGGTTGTCACCACTGCCAGCATCCGGCCTTCTGTCTACCAGCCAGGTAAGAGGC-3'
Protein context (NP_009009.1, residues 384-404): YSEGPAAPAP[Lys394Glu]PRVVTTASIR